The following is an entry in ClinVar:

NM_000203.5(IDUA):c.1651-7_1651-3dup

Gene: IDUA (alpha-L-iduronidase; plus strand). Cytogenetic location: 4p16.3.
Variant type: Duplication.
Coding change: c.1651-7_1651-3dup on transcript NM_000203.5 (MANE Select); 7 bases into the intron before coding-DNA position 1651 through 3 bases into the intron before coding-DNA position 1651, 5 bases duplicated (CCCCC; older notation c.1651-7_1651-3dupCCCCC).
Molecular consequence: intron variant.
Genome position (GRCh38, 1-based): chr4:1,003,542-1,003,546, CCCCC duplicated. VCF-style (leftmost placement, unchanged base first): chr4-1003541-T-TCCCCC. GRCh37 (hg19) VCF-style: chr4-997329-T-TCCCCC.
Other names: c.1651-7_1651-3dup5 (NM_000203.4); c.1255-7_1255-3dup (NM_001363576.1).
Identifiers: ClinVar variation 1093453 (VCV001093453.10), dbSNP rs756443835, ClinGen allele CA2802339.

ClinVar aggregate classification (germline): Likely benign. Review status: criteria provided, multiple submitters, no conflicts (2 of 4 stars). 2 submissions from 2 submitters: Likely benign (2). Last evaluated 2026-03-28.

Conditions:
IDUA-related disorder. Also called: IDUA-related condition.
Mucopolysaccharidosis type 1. Also called: Mucopolysaccharidosis Type I; IDUA deficiency; MPS I. Identifiers: Orphanet 579, MedGen C0023786, MONDO:0001586.

Allele frequency attached by ClinVar (database versions not stated): gnomAD exomes below 0.00001; ExAC 0.00001; gnomAD 0.00001.

Submissions (2):

PreventionGenetics, part of Exact Sciences
Classification: Likely benign for IDUA-related condition. Last evaluated: 2026-03-28. Review status: criteria provided, single submitter. Criteria: ACMG Guidelines, 2015. Collection method: clinical testing. Allele origin: germline.
Comment: This variant is classified as likely benign based on ACMG/AMP sequence variant interpretation guidelines (Richards et al. 2015 PMID: 25741868, with internal and published modifications).

Labcorp Genetics (formerly Invitae), Labcorp
Classification: Likely benign for Mucopolysaccharidosis type 1. Last evaluated: 2025-02-26. Review status: criteria provided, single submitter. Criteria: Invitae Variant Classification Sherloc (09022015). Collection method: clinical testing. Allele origin: germline.